The following is an entry in ClinVar:

ClinVar aggregate classification (germline): Uncertain significance. Review status: criteria provided, multiple submitters, no conflicts (2 of 4 stars). 4 submissions from 4 submitters: Uncertain significance (4). Last evaluated 2026-05-27.

Conditions:
Cardiomyopathy (CMYO). Also called: Cardiomyopathies. Identifiers: Orphanet 167848, MedGen C0878544, MONDO:0004994, HP:0001638. Inheritance: Various modes of inheritance.
MYH7-related disorder. Also called: MYH7-related condition; MYH7-related disease; MYH7-related disorders.
Hypertrophic cardiomyopathy. Also called: HYPERTROPHIC MYOCARDIOPATHY. Identifiers: Orphanet 217569, MedGen C0007194, MeSH D002312, MONDO:0005045, HP:0001639.

Submissions (4):

PreventionGenetics, part of Exact Sciences
Classification: Uncertain significance for MYH7-related condition. Last evaluated: 2026-05-27. Review status: criteria provided, single submitter. Criteria: ACMG Guidelines, 2015. Collection method: clinical testing. Allele origin: germline.
Comment: The MYH7 c.129delA variant is predicted to result in a frameshift and premature protein termination (p.Lys43Asnfs*27). To our knowledge, this variant has not been reported in the literature or in a large population database (gnomAD), indicating this variant is rare. Loss of function is not an established mechanism of MYH7-related disease. Although we suspect that this variant may be pathogenic, at this time, the clinical significance of this variant is uncertain due to the absence of conclusive functional and genetic evidence.

Labcorp Genetics (formerly Invitae), Labcorp
Classification: Uncertain significance for Hypertrophic cardiomyopathy. Last evaluated: 2024-11-13. Review status: criteria provided, single submitter. Criteria: Invitae Variant Classification Sherloc (09022015). Collection method: clinical testing. Allele origin: germline.
Comment: This sequence change creates a premature translational stop signal (p.Lys43Asnfs*27) in the MYH7 gene. It is expected to result in an absent or disrupted protein product. However, the current clinical and genetic evidence is not sufficient to establish whether loss-of-function variants in MYH7 cause disease. This variant is present in population databases (no rsID available, gnomAD 0.003%). This variant has not been reported in the literature in individuals affected with MYH7-related conditions. ClinVar contains an entry for this variant (Variation ID: 644811). In summary, the available evidence is currently insufficient to determine the role of this variant in disease. Therefore, it has been classified as a Variant of Uncertain Significance.

All of Us Research Program, National Institutes of Health
Classification: Uncertain significance for Cardiomyopathy. Last evaluated: 2024-06-09. Review status: criteria provided, single submitter. Criteria: ACMG Guidelines, 2015. Collection method: clinical testing. Allele origin: germline. Inheritance: Autosomal dominant inheritance. Observed: 1 variant allele, 1 heterozygote.
Comment: This variant deletes 1 nucleotide in exon 3 of the MYH7 gene, creating a frameshift and premature translation stop signal. This variant is expected to result in an absent or non-functional protein product. To our knowledge, this variant has not been reported in individuals affected with MYH7-related disorders in the literature. This variant has not been identified in the general population by the Genome Aggregation Database (gnomAD). Clinical relevance of loss-of-function MYH7 truncation variants in autosomal dominant cardiovascular disorders is not clearly established. The available evidence is insufficient to determine the role of this variant in disease conclusively. Therefore, this variant is classified as a Variant of Uncertain Significance.

This study involves interpretation of variants in research participants for the purpose of population health screening. Participant phenotype was not available at the time of variant classification. Additional details can be found in publication PMID: 35346344, PMCID: PMC8962531

Color Diagnostics, LLC DBA Color Health
Classification: Uncertain significance for Cardiomyopathy. Last evaluated: 2024-05-29. Review status: criteria provided, single submitter. Criteria: ACMG Guidelines, 2015. Collection method: clinical testing. Allele origin: germline.
Comment: This variant deletes 1 nucleotide in exon 3 of the MYH7 gene, creating a frameshift and premature translation stop signal. This variant is expected to result in an absent or non-functional protein product. To our knowledge, this variant has not been reported in individuals affected with MYH7-related disorders in the literature. This variant has not been identified in the general population by the Genome Aggregation Database (gnomAD). Clinical relevance of loss-of-function MYH7 truncation variants in autosomal dominant cardiovascular disorders is not clearly established. The available evidence is insufficient to determine the role of this variant in disease conclusively. Therefore, this variant is classified as a Variant of Uncertain Significance.

NM_000257.4(MYH7):c.129del (p.Lys43fs)

Gene: MYH7 (myosin heavy chain 7; minus strand). Cytogenetic location: 14q11.2.
Variant type: Deletion.
Coding change: c.129del on transcript NM_000257.4 (MANE Select); coding-DNA position 129, one base deleted (A; older notation c.129delA).
Protein change: p.Lys43fs; shifts the reading frame from lysine 43.
Molecular consequence: frameshift variant.
Genome position (GRCh38, 1-based): chr14:23,433,604, T deleted on the plus strand (A on the coding strand, the reverse complement: MYH7 is on the minus strand); the first of 3 consecutive T bases (chr14:23,433,604-23,433,606); deleting any one gives the same sequence. VCF-style (leftmost placement, unchanged base first): chr14-23433603-GT-G. GRCh37 (hg19) VCF-style: chr14-23902812-GT-G.
Other names: short protein forms K43fs.
Identifiers: ClinVar variation 644811 (VCV000644811.9), dbSNP rs1364012197, ClinGen allele CA613318132.
Genomic context (GRCh38, chr14:23,433,603, plus strand): 5'-CGGTCTCGGCAGTGACTTTGCCACCCTCTCGAGACACGATCTTGGCCTTGACAAACTCCT[GT>G]TTGTCATCAGGCACGAAGACATCCTTCTTGAGGTCAAAAGGCCTGGTCTGCGCTTCTAGC-3'